The following is an entry in ClinVar:

NC_000011.10:g.798232C>T

Genes: PANO1 (proapoptotic nucleolar protein 1; plus strand), SLC25A22 (solute carrier family 25 member 22; minus strand). Cytogenetic location: 11p15.5.
Variant type: single nucleotide variant.
Molecular consequence: 5 prime UTR variant (on NM_001191061.2).
Genome position: GRCh38 VCF-style: chr11-798232-C-T. GRCh37 (hg19) VCF-style: chr11-798232-C-T.
Other names: c.-179G>A (NM_001191061.2, NM_001425334.1, NM_001425335.1 and 5 more transcripts); c.-504G>A (NM_001425338.1); c.-174G>A (NM_001425339.1); c.-502G>A (NM_001425344.1).
Identifiers: ClinVar variation 4083823 (VCV004083823.8).

ClinVar aggregate classification (germline): Likely benign (1 of 4 stars; one submission).

Submission:

CeGaT Center for Human Genetics Tuebingen
Classification: Likely benign. Last evaluated: 2026-08-01. Review status: criteria provided, single submitter. Criteria: CeGaT Center For Human Genetics Tuebingen Variant Classification Criteria Version 2. Collection method: clinical testing. Allele origin: germline. Affected: yes. Observed: 4 variant alleles.
Comment: PANO1: BS2